The following is an entry in ClinVar:

NM_201384.3(PLEC):c.4048C>G (p.Leu1350Val)

Gene: PLEC (plectin; minus strand). Cytogenetic location: 8q24.3.
Variant type: single nucleotide variant.
Coding change: c.4048C>G on transcript NM_201384.3 (MANE Select); coding-DNA position 4048, C replaced by G.
Protein change: p.Leu1350Val; replaces leucine 1350 with valine.
Molecular consequence: missense variant. On other transcripts: intron variant (1).
Genome position (GRCh38, 1-based): chr8:143,925,881, G>C on the plus strand (C>G on the coding strand, the complement: PLEC is on the minus strand). VCF-style: chr8-143925881-G-C. GRCh37 (hg19) VCF-style: chr8-145000049-G-C.
Other names: c.4129C>G, p.Leu1377Val (NM_000445.5); c.4006C>G, p.Leu1336Val (NM_201378.4); c.3982C>G, p.Leu1328Val (NM_201379.3); c.4459C>G, p.Leu1487Val (NM_201380.4); c.3952C>G, p.Leu1318Val (NM_201381.3); c.4048C>G, p.Leu1350Val (NM_201382.4); c.4060C>G, p.Leu1354Val (NM_201383.3); c.4125+903C>G (NM_001410941.1); short protein forms L1336V, L1487V, L1328V, L1350V, L1354V, L1318V, L1377V.
Identifiers: ClinVar variation 3214701 (VCV003214701.8), dbSNP rs1483255401, ClinGen allele CA372561650.

ClinVar aggregate classification (germline): Uncertain significance. Review status: criteria provided, multiple submitters, no conflicts (2 of 4 stars). 2 submissions from 2 submitters: Uncertain significance (2). Last evaluated 2025-03-01.

Conditions:
Inborn genetic diseases. Identifiers: MedGen C0950123, MeSH D030342.

Submissions (2):

CeGaT Center for Human Genetics Tuebingen
Classification: Uncertain significance. Last evaluated: 2025-03-01. Review status: criteria provided, single submitter. Criteria: CeGaT Center For Human Genetics Tuebingen Variant Classification Criteria Version 2. Collection method: clinical testing. Allele origin: germline. Affected: yes. Observed: 1 variant allele.
Comment: PLEC: PM2

Ambry Genetics
Classification: Uncertain significance for Inborn genetic diseases. Last evaluated: 2023-12-07. Review status: criteria provided, single submitter. Criteria: Ambry Variant Classification Scheme 2023. Collection method: clinical testing. Allele origin: germline.